The following is an entry in ClinVar:

NM_007375.4(TARDBP):c.1155G>A (p.Trp385Ter)

Gene: TARDBP (TAR DNA binding protein; plus strand). Cytogenetic location: 1p36.22.
Variant type: single nucleotide variant.
Coding change: c.1155G>A on transcript NM_007375.4 (MANE Select); coding-DNA position 1155, G replaced by A.
Protein change: p.Trp385Ter; replaces tryptophan 385 with a stop codon.
Molecular consequence: nonsense.
Genome position (GRCh38, 1-based): chr1:11,022,564, G>A. VCF-style: chr1-11022564-G-A. GRCh37 (hg19) VCF-style: chr1-11082621-G-A.
Other names: short protein forms W385*.
Identifiers: ClinVar variation 1508131 (VCV001508131.6), dbSNP rs2100857066, ClinGen allele CA338368407.

ClinVar aggregate classification (germline): Uncertain significance (1 of 4 stars; one submission).

Conditions:
FRONTOTEMPORAL LOBAR DEGENERATION WITH TDP43 INCLUSIONS, TARDBP-RELATED. Also called: Frontotemporal lobar degeneration, TARDBP-related. Identifiers: MedGen C3150169, OMIM 612069.
Amyotrophic lateral sclerosis type 10 (ALS10). Also called: AMYOTROPHIC LATERAL SCLEROSIS 10 WITHOUT FRONTOTEMPORAL DEMENTIA AND WITH TDP43 INCLUSIONS; AMYOTROPHIC LATERAL SCLEROSIS 10 WITH OR WITHOUT FRONTOTEMPORAL DEMENTIA AND WITH TDP43 INCLUSIONS; AMYOTROPHIC LATERAL SCLEROSIS 10 WITH OR WITHOUT FRONTOTEMPORAL DEMENTIA; TARDBP-Related Amyotrophic Lateral Sclerosis-Frontotemporal Dementia; Amyotrophic lateral sclerosis 10, with or without FTD. Identifiers: Orphanet 275872, Orphanet 803, MedGen C2677565, MONDO:0012790, OMIM 612069.

Submission:

Labcorp Genetics (formerly Invitae), Labcorp
Classification: Uncertain significance for Amyotrophic lateral sclerosis type 10; FRONTOTEMPORAL LOBAR DEGENERATION WITH TDP43 INCLUSIONS, TARDBP-RELATED. Last evaluated: 2024-07-18. Review status: criteria provided, single submitter. Criteria: Invitae Variant Classification Sherloc (09022015). Collection method: clinical testing. Allele origin: germline.
Comment: This sequence change creates a premature translational stop signal (p.Trp385*) in the TARDBP gene. While this is not anticipated to result in nonsense mediated decay, it is expected to disrupt the last 30 amino acid(s) of the TARDBP protein. This variant is not present in population databases (gnomAD no frequency). This variant has not been reported in the literature in individuals affected with TARDBP-related conditions. ClinVar contains an entry for this variant (Variation ID: 1508131). Experimental studies and prediction algorithms are not available or were not evaluated, and the functional significance of this variant is currently unknown. In summary, the available evidence is currently insufficient to determine the role of this variant in disease. Therefore, it has been classified as a Variant of Uncertain Significance.